The following is an entry in ClinVar:

ClinVar aggregate classification (germline): Pathogenic. Review status: reviewed by expert panel (3 of 4 stars). 2 submissions from 2 submitters: Pathogenic (1). 1 of the submissions does not count toward it. Last evaluated 2016-09-08.

Conditions:
Breast-ovarian cancer, familial, susceptibility to, 2 (BROVCA2). Also called: BRCA2 Hereditary Breast and Ovarian Cancer. Identifiers: Orphanet 145, MedGen C2675520, MONDO:0012933, OMIM 612555. Disease mechanism: loss of function.

Submissions (2):

Evidence-based Network for the Interpretation of Germline Mutant Alleles (ENIGMA)
Classification: Pathogenic for Breast-ovarian cancer, familial, susceptibility to, 2. Last evaluated: 2016-09-08. Review status: reviewed by expert panel. Criteria: ENIGMA BRCA1/2 Classification Criteria (2015). Collection method: curation. Allele origin: germline.
Comment: Variant allele predicted to encode a truncated non-functional protein.

Breast Cancer Information Core (BIC) (BRCA2)
Classification: Pathogenic for Breast-ovarian cancer, familial 2. Last evaluated: 2012-10-16. Review status: no assertion criteria provided. Collection method: clinical testing. Allele origin: germline. Affected: yes. Observed: 1 variant allele. Not counted in ClinVar's aggregate classification.

NM_000059.4(BRCA2):c.7283del (p.Leu2428fs)

Gene: BRCA2 (BRCA2 DNA repair associated; plus strand). Cytogenetic location: 13q13.1.
Variant type: Deletion.
Coding change: c.7283del on transcript NM_000059.4 (MANE Select); coding-DNA position 7283, one base deleted (T; older notation c.7283delT).
Protein change: p.Leu2428fs; shifts the reading frame from leucine 2428.
Molecular consequence: frameshift variant.
Genome position (GRCh38, 1-based): chr13:32,355,136, T deleted; the last of 2 consecutive T bases (chr13:32,355,135-32,355,136); deleting either gives the same sequence. VCF-style (leftmost placement, unchanged base first): chr13-32355134-CT-C. GRCh37 (hg19) VCF-style: chr13-32929271-CT-C.
Other names: 7511delT; c.7283delT (NM_000059.3); short protein forms L2428fs.
Identifiers: ClinVar variation 126134 (VCV000126134.4), dbSNP rs483353119, ClinGen allele CA025012.